The following is an entry in ClinVar:

NM_006270.5(RRAS):c.572+5G>A

Gene: RRAS (RAS related; minus strand). Cytogenetic location: 19q13.33.
Variant type: single nucleotide variant.
Coding change: c.572+5G>A on transcript NM_006270.5 (MANE Select); 5 bases into the intron after coding-DNA position 572, G replaced by A.
Molecular consequence: intron variant.
Genome position (GRCh38, 1-based): chr19:49,635,729, C>T on the plus strand (G>A on the coding strand, the complement: RRAS is on the minus strand). VCF-style: chr19-49635729-C-T. GRCh37 (hg19) VCF-style: chr19-50138986-C-T.
Identifiers: ClinVar variation 2118815 (VCV002118815.4), dbSNP rs765114836, ClinGen allele CA9578952.

ClinVar aggregate classification (germline): Uncertain significance (1 of 4 stars; one submission).

Conditions:
Noonan syndrome (NS). Also called: Noonan's syndrome. Identifiers: Orphanet 648, MedGen C0028326, MeSH D009634, MONDO:0018997. Disease mechanism: gain of function.

Allele frequency attached by ClinVar (database versions not stated): gnomAD exomes 0.00002; ExAC 0.00003.
gnomAD v4.1: 9 of 1,562,588 alleles (0.00058%); highest among the groups gnomAD compares: Non-Finnish European, 0.00053%; no homozygotes.

Submission:

Labcorp Genetics (formerly Invitae), Labcorp
Classification: Uncertain significance for Noonan syndrome. Last evaluated: 2022-06-08. Review status: criteria provided, single submitter. Criteria: Invitae Variant Classification Sherloc (09022015). Collection method: clinical testing. Allele origin: germline.
Comment: In summary, the available evidence is currently insufficient to determine the role of this variant in disease. Therefore, it has been classified as a Variant of Uncertain Significance. Variants that disrupt the consensus splice site are a relatively common cause of aberrant splicing (PMID: 17576681, 9536098). Algorithms developed to predict the effect of sequence changes on RNA splicing suggest that this variant may disrupt the consensus splice site. This variant has not been reported in the literature in individuals affected with RRAS-related conditions. This variant is present in population databases (rs765114836, gnomAD 0.005%). This sequence change falls in intron 5 of the RRAS gene. It does not directly change the encoded amino acid sequence of the RRAS protein. It affects a nucleotide within the consensus splice site.

Literature cited by the submitters: PubMed 17576681; PubMed 9536098.